The following is an entry in ClinVar:

ClinVar aggregate classification (germline): Uncertain significance (1 of 4 stars; one submission).

Conditions:
Cerebral cavernous malformation (CCM). Also called: CAVERNOUS ANGIOMA, FAMILIAL; CAVERNOUS ANGIOMATOUS MALFORMATIONS; CEREBRAL CAPILLARY MALFORMATIONS; Cerebral cavernous hemangioma (type); Cerebral cavernous malformations; Cavernous Hemangioma of Brain. Identifiers: Orphanet 221061, MedGen C2919945, MONDO:0000820, OMIM 116860, HP:0033522.

Submission:

Labcorp Genetics (formerly Invitae), Labcorp
Classification: Uncertain significance for Cerebral cavernous malformation. Last evaluated: 2025-11-28. Review status: criteria provided, single submitter. Criteria: Invitae Variant Classification Sherloc (09022015). Collection method: clinical testing. Allele origin: germline.
Comment: This sequence change falls in intron 14 of the KRIT1 gene. It does not directly change the encoded amino acid sequence of the KRIT1 protein. It affects a nucleotide within the consensus splice site. This variant is not present in population databases (gnomAD no frequency). This variant has not been reported in the literature in individuals affected with KRIT1-related conditions. ClinVar contains an entry for this variant (Variation ID: 2022684). Variants that disrupt the consensus splice site are a relatively common cause of aberrant splicing (PMID: 17576681, 9536098). Algorithms developed to predict the effect of sequence changes on RNA splicing suggest that this variant may disrupt the consensus splice site. In summary, the available evidence is currently insufficient to determine the role of this variant in disease. Therefore, it has been classified as a Variant of Uncertain Significance.

Literature cited by the submitters: PubMed 17576681; PubMed 9536098.

NM_194454.3(KRIT1):c.1412-3C>G

Gene: KRIT1 (KRIT1 ankyrin repeat containing; minus strand). Cytogenetic location: 7q21.2.
Variant type: single nucleotide variant.
Coding change: c.1412-3C>G on transcript NM_194454.3 (MANE Select); 3 bases into the intron before coding-DNA position 1412, C replaced by G.
Molecular consequence: intron variant.
Genome position (GRCh38, 1-based): chr7:92,222,056, G>C on the plus strand (C>G on the coding strand, the complement: KRIT1 is on the minus strand). VCF-style: chr7-92222056-G-C. GRCh37 (hg19) VCF-style: chr7-91851370-G-C.
Other names: c.1412-3C>G (NM_001350672.1, NM_001350676.1, NM_001350673.1 and 26 more transcripts); c.1268-3C>G (NM_001350669.1, NM_001013406.2, NM_001350670.1); c.698-3C>G (NM_001350671.1).
Identifiers: ClinVar variation 2022684 (VCV002022684.4), dbSNP rs2535821200, ClinGen allele CA2580077487.
Genomic context (GRCh38, chr7:92,222,056, plus strand): 5'-ATTTCTGGCCAGTCACGAACATGTTGCAAGGGTTTATGATATGGTTTGAGTTGAAGGCCT[G>C]AAAAACATCATTCCTTTTATAAATGATAATGTAAAAAGTCAATTATATCAATGCATAGAA-3'